The following is an entry in ClinVar:

ClinVar aggregate classification (germline): Uncertain significance (1 of 4 stars; one submission).

Conditions:
Early-infantile DEE. Also called: Ohtahara syndrome; Early infantile epileptic encephalopathy with suppression bursts; Early infantile epileptic encephalopathy. Identifiers: Orphanet 1934, MedGen C0393706, MONDO:0800491.

Submission:

Labcorp Genetics (formerly Invitae), Labcorp
Classification: Uncertain significance for Early-infantile DEE. Last evaluated: 2025-12-17. Review status: criteria provided, single submitter. Criteria: Invitae Variant Classification Sherloc (09022015). Collection method: clinical testing. Allele origin: germline.
Comment: This sequence change replaces arginine, which is basic and polar, with isoleucine, which is neutral and non-polar, at codon 422 of the KCNQ2 protein (p.Arg422Ile). This variant is not present in population databases (gnomAD no frequency). This variant has not been reported in the literature in individuals affected with KCNQ2-related conditions. Invitae Evidence Modeling of protein sequence and biophysical properties (such as structural, functional, and spatial information, amino acid conservation, physicochemical variation, residue mobility, and thermodynamic stability) indicates that this missense variant is expected to disrupt KCNQ2 protein function with a positive predictive value of 80%. Algorithms developed to predict the effect of sequence changes on RNA splicing suggest that this variant may disrupt the consensus splice site. In summary, the available evidence is currently insufficient to determine the role of this variant in disease. Therefore, it has been classified as a Variant of Uncertain Significance.

NM_172107.4(KCNQ2):c.1265G>T (p.Arg422Ile)

Gene: KCNQ2 (potassium voltage-gated channel subfamily Q member 2; minus strand). Cytogenetic location: 20q13.33.
Variant type: single nucleotide variant.
Coding change: c.1265G>T on transcript NM_172107.4 (MANE Select); coding-DNA position 1265, G replaced by T.
Protein change: p.Arg422Ile; replaces arginine 422 with isoleucine.
Molecular consequence: missense variant. On other transcripts: intron variant (6).
Genome position (GRCh38, 1-based): chr20:63,419,655, C>A on the plus strand (G>T on the coding strand, the complement: KCNQ2 is on the minus strand). VCF-style: chr20-63419655-C-A. GRCh37 (hg19) VCF-style: chr20-62051008-C-A.
Other names: c.1217+4522G>T (NM_001439004.1, NM_004518.6); c.1247+4522G>T (NM_172108.5, NM_001439003.1, NM_172106.3 and 1 more transcripts); short protein forms R422I.
Identifiers: ClinVar variation 4747412 (VCV004747412.1).